The following is an entry in ClinVar:

NM_002080.4(GOT2):c.974G>A (p.Arg325Gln)

Gene: GOT2 (glutamic-oxaloacetic transaminase 2; minus strand). Cytogenetic location: 16q21.
Variant type: single nucleotide variant.
Coding change: c.974G>A on transcript NM_002080.4 (MANE Select); coding-DNA position 974, G replaced by A.
Protein change: p.Arg325Gln; replaces arginine 325 with glutamine.
Molecular consequence: missense variant.
Genome position (GRCh38, 1-based): chr16:58,716,059, C>T on the plus strand (G>A on the coding strand, the complement: GOT2 is on the minus strand). VCF-style: chr16-58716059-C-T. GRCh37 (hg19) VCF-style: chr16-58749963-C-T.
Other names: c.845G>A, p.Arg282Gln (NM_001286220.2); c.974G>A (NM_002080.2); short protein forms R282Q, R325Q.
Identifiers: ClinVar variation 1368160 (VCV001368160.9), dbSNP rs375005845, ClinGen allele CA8090896.

ClinVar aggregate classification (germline): Uncertain significance. Review status: criteria provided, multiple submitters, no conflicts (2 of 4 stars). 2 submissions from 2 submitters: Uncertain significance (2). Last evaluated 2023-08-02.

Allele frequency attached by ClinVar (database versions not stated): gnomAD exomes 0.00001; ExAC 0.00002; gnomAD 0.00004; ESP Exome Variant Server 0.00008.
gnomAD v4.1: 28 of 1,613,490 alleles (0.0017%); highest among the groups gnomAD compares: African/African-American, 0.0094%; no homozygotes.

Submissions (2):

Labcorp Genetics (formerly Invitae), Labcorp
Classification: Uncertain significance. Last evaluated: 2023-08-02. Review status: criteria provided, single submitter. Criteria: Invitae Variant Classification Sherloc (09022015). Collection method: clinical testing. Allele origin: germline.
Comment: In summary, the available evidence is currently insufficient to determine the role of this variant in disease. Therefore, it has been classified as a Variant of Uncertain Significance. Advanced modeling of protein sequence and biophysical properties (such as structural, functional, and spatial information, amino acid conservation, physicochemical variation, residue mobility, and thermodynamic stability) performed at Invitae indicates that this missense variant is not expected to disrupt GOT2 protein function. ClinVar contains an entry for this variant (Variation ID: 1368160). This variant has not been reported in the literature in individuals affected with GOT2-related conditions. This variant is present in population databases (rs375005845, gnomAD 0.01%). This sequence change replaces arginine, which is basic and polar, with glutamine, which is neutral and polar, at codon 325 of the GOT2 protein (p.Arg325Gln).

Ambry Genetics
Classification: Uncertain significance. Last evaluated: 2023-03-01. Review status: criteria provided, single submitter. Criteria: Ambry Variant Classification Scheme 2023. Collection method: clinical testing. Allele origin: germline.